The following is an entry in ClinVar:

ClinVar aggregate classification (germline): Pathogenic (1 of 4 stars; one submission).

Submission:

Labcorp Genetics (formerly Invitae), Labcorp
Classification: Pathogenic. Last evaluated: 2023-07-28. Review status: criteria provided, single submitter. Criteria: Invitae Variant Classification Sherloc (09022015). Collection method: clinical testing. Allele origin: unknown.
Comment: This variant is a gross deletion of the genomic region encompassing exon(s) 2 of the ITGB4 gene, which includes the initiator codon. This deletion extends beyond the assayed region for this gene and therefore may encompass additional genes. It is expected to result in an absent or disrupted protein product. Loss-of-function variants in ITGB4 are known to be pathogenic (PMID: 11328943, 16473856). This variant has not been reported in the literature in individuals affected with ITGB4-related conditions. For these reasons, this variant has been classified as Pathogenic.

Literature cited by the submitters: PubMed 11328943; PubMed 16473856.

NC_000017.10:g.(?_73720784)_(73720882_?)del

Gene: ITGB4 (integrin subunit beta 4; plus strand). Cytogenetic location: 17q25.1.
Variant type: Deletion.
Identifiers: ClinVar variation 3243129 (VCV003243129.1).